The following is an entry in ClinVar:

ClinVar aggregate classification (germline): Uncertain significance (1 of 4 stars; one submission).

Submission:

Ambry Genetics
Classification: Uncertain significance. Last evaluated: 2023-03-17. Review status: criteria provided, single submitter. Criteria: Ambry Variant Classification Scheme 2023. Collection method: clinical testing. Allele origin: germline.
Comment: The p.H1133Y variant (also known as c.3397C>T), located in coding exon 29 of the PRKDC gene, results from a C to T substitution at nucleotide position 3397. The histidine at codon 1133 is replaced by tyrosine, an amino acid with similar properties. This amino acid position is conserved. In addition, this alteration is predicted to be deleterious by in silico analysis. Since supporting evidence is limited at this time, the clinical significance of this alteration remains unclear.

NM_006904.7(PRKDC):c.3397C>T (p.His1133Tyr)

Gene: PRKDC (protein kinase, DNA-activated, catalytic subunit; minus strand). Cytogenetic location: 8q11.21.
Variant type: single nucleotide variant.
Coding change: c.3397C>T on transcript NM_006904.7 (MANE Select); coding-DNA position 3397, C replaced by T.
Protein change: p.His1133Tyr; replaces histidine 1133 with tyrosine.
Molecular consequence: missense variant.
Genome position (GRCh38, 1-based): chr8:47,898,537, G>A on the plus strand (C>T on the coding strand, the complement: PRKDC is on the minus strand). VCF-style: chr8-47898537-G-A. GRCh37 (hg19) VCF-style: chr8-48811097-G-A.
Other names: c.3397C>T, p.His1133Tyr (NM_001081640.2); short protein forms H1133Y.
Identifiers: ClinVar variation 2564493 (VCV002564493.2), dbSNP rs2551874976, ClinGen allele CA371154687.
Genomic context (GRCh38, chr8:47,898,537, plus strand): 5'-AACGTCGTTTCTTTGCTTTATTTAAAGAAACATGCTTCTTTTCAATGATGCGGCATAGGT[G>A]ATCAATGGCATCACAACACTGTTGAATTGTACCTGTTCTCAAGTACAGAGACATATTTCC-3'
Protein context (NP_008835.5, residues 1123-1143): TIQQCCDAID[His1133Tyr]LCRIIEKKHV